The following is an entry in ClinVar:

ClinVar aggregate classification (germline): Uncertain significance. Review status: criteria provided, multiple submitters, no conflicts (2 of 4 stars). 2 submissions from 2 submitters: Uncertain significance (2). Last evaluated 2024-07-06.

Conditions:
Early-infantile DEE. Also called: Early infantile epileptic encephalopathy; Ohtahara syndrome; Early infantile epileptic encephalopathy with suppression bursts. Identifiers: Orphanet 1934, MedGen C0393706, MONDO:0800491.

Submissions (2):

Labcorp Genetics (formerly Invitae), Labcorp
Classification: Uncertain significance for Early-infantile DEE. Last evaluated: 2024-07-06. Review status: criteria provided, single submitter. Criteria: Invitae Variant Classification Sherloc (09022015). Collection method: clinical testing. Allele origin: germline.
Comment: This sequence change replaces tyrosine, which is neutral and polar, with histidine, which is basic and polar, at codon 753 of the SCN1A protein (p.Tyr753His). This variant is not present in population databases (gnomAD no frequency). This variant has not been reported in the literature in individuals affected with SCN1A-related conditions. ClinVar contains an entry for this variant (Variation ID: 2581811). Advanced modeling of protein sequence and biophysical properties (such as structural, functional, and spatial information, amino acid conservation, physicochemical variation, residue mobility, and thermodynamic stability) performed at Invitae indicates that this missense variant is not expected to disrupt SCN1A protein function with a negative predictive value of 95%. In summary, the available evidence is currently insufficient to determine the role of this variant in disease. Therefore, it has been classified as a Variant of Uncertain Significance.

GeneDx
Classification: Uncertain significance. Last evaluated: 2023-03-28. Review status: criteria provided, single submitter. Criteria: GeneDx Variant Classification Process June 2021. Collection method: clinical testing. Allele origin: germline. Affected: yes.
Comment: Not observed at significant frequency in large population cohorts (gnomAD); Missense variants in this gene are often considered pathogenic (HGMD); In silico analysis supports that this missense variant does not alter protein structure/function; Has not been previously published as pathogenic or benign to our knowledge; The substitution is predicted to be within the cytoplasmic loop between the first and second homologous domains

NM_001165963.4(SCN1A):c.2257T>C (p.Tyr753His)

Gene: SCN1A (sodium voltage-gated channel alpha subunit 1; minus strand). Cytogenetic location: 2q24.3.
Variant type: single nucleotide variant.
Coding change: c.2257T>C on transcript NM_001165963.4 (MANE Select); coding-DNA position 2257, T replaced by C.
Protein change: p.Tyr753His; replaces tyrosine 753 with histidine.
Molecular consequence: missense variant. On other transcripts: 5 prime UTR variant (1), non-coding transcript variant (1).
Genome position (GRCh38, 1-based): chr2:166,041,389, A>G on the plus strand (T>C on the coding strand, the complement: SCN1A is on the minus strand). VCF-style: chr2-166041389-A-G. GRCh37 (hg19) VCF-style: chr2-166897899-A-G.
Other names: c.2173T>C, p.Tyr725His (NM_001165964.3, NM_001353957.2, NM_001353958.2); c.2257T>C, p.Tyr753His (NM_001202435.3, NM_001353948.2); c.2224T>C, p.Tyr742His (NM_001353949.2, NM_001353950.2, NM_001353951.2 and 2 more transcripts); c.2221T>C, p.Tyr741His (NM_001353954.2, NM_001353955.2); c.2170T>C, p.Tyr724His (NM_001353960.2); c.-202T>C (NM_001353961.2); short protein forms Y724H, Y725H, Y741H, Y742H, Y753H.
Identifiers: ClinVar variation 2581811 (VCV002581811.3), dbSNP rs2468131879, ClinGen allele CA349064851.